The following is an entry in ClinVar:

NM_000179.3(MSH6):c.4034T>G (p.Val1345Gly)

Gene: MSH6 (mutS homolog 6; plus strand). Cytogenetic location: 2p16.3.
Variant type: single nucleotide variant.
Coding change: c.4034T>G on transcript NM_000179.3 (MANE Select); coding-DNA position 4034, T replaced by G.
Protein change: p.Val1345Gly; replaces valine 1345 with glycine.
Molecular consequence: missense variant.
Genome position (GRCh38, 1-based): chr2:47,806,811, T>G. VCF-style: chr2-47806811-T-G. GRCh37 (hg19) VCF-style: chr2-48033950-T-G.
Other names: c.3644T>G, p.Val1215Gly (NM_001281492.2); c.3128T>G, p.Val1043Gly (NM_001281493.2, NM_001281494.2); short protein forms V1043G, V1215G, V1345G.
Identifiers: ClinVar variation 941697 (VCV000941697.12), dbSNP rs1670215600, ClinGen allele CA346761683.
Genomic context (GRCh38, chr2:47,806,811, plus strand): 5'-CTTTTTTTTTTTTTTTTTTAATTTTAAGGGAAGTTTGCCTGGCTAGTGAAAGGTCAACTG[T>G]AGATGCTGAAGCTGTCCATAAATTGCTGACTTTGATTAAGGAATTATAGACTGACTACAT-3'
Protein context (NP_000170.1, residues 1335-1355): EVCLASERST[Val1345Gly]DAEAVHKLLT

ClinVar aggregate classification (germline): Uncertain significance. Review status: criteria provided, multiple submitters, no conflicts (2 of 4 stars). 2 submissions from 2 submitters: Uncertain significance (2). Last evaluated 2025-05-05.

Conditions:
Hereditary nonpolyposis colorectal neoplasms. Identifiers: MedGen C0009405, MeSH D003123.
Hereditary cancer-predisposing syndrome. Also called: Hereditary neoplastic syndrome; Neoplastic Syndromes, Hereditary; Tumor predisposition; Hereditary Cancer Syndrome. Identifiers: Orphanet 140162, MedGen C0027672, MeSH D009386, MONDO:0015356.

gnomAD v4.1: 1 of 1,611,568 alleles (0.000062%); highest among the groups gnomAD compares: South Asian, 0.0011%; no homozygotes.

Submissions (2):

Labcorp Genetics (formerly Invitae), Labcorp
Classification: Uncertain significance for Hereditary nonpolyposis colorectal neoplasms. Last evaluated: 2025-05-05. Review status: criteria provided, single submitter. Criteria: Invitae Variant Classification Sherloc (09022015). Collection method: clinical testing. Allele origin: germline.
Comment: This sequence change replaces valine, which is neutral and non-polar, with glycine, which is neutral and non-polar, at codon 1345 of the MSH6 protein (p.Val1345Gly). This variant is not present in population databases (gnomAD no frequency). This variant has not been reported in the literature in individuals affected with MSH6-related conditions. ClinVar contains an entry for this variant (Variation ID: 941697). Invitae Evidence Modeling of protein sequence and biophysical properties (such as structural, functional, and spatial information, amino acid conservation, physicochemical variation, residue mobility, and thermodynamic stability) indicates that this missense variant is not expected to disrupt MSH6 protein function with a negative predictive value of 95%. In summary, the available evidence is currently insufficient to determine the role of this variant in disease. Therefore, it has been classified as a Variant of Uncertain Significance.

Color Diagnostics, LLC DBA Color Health
Classification: Uncertain significance for Hereditary cancer-predisposing syndrome. Last evaluated: 2024-03-06. Review status: criteria provided, single submitter. Criteria: ACMG Guidelines, 2015. Collection method: clinical testing. Allele origin: germline.
Comment: This missense variant replaces valine with glycine at codon 1345 of the MSH6 protein. Computational prediction suggests that this variant may not impact protein structure and function (internally defined REVEL score threshold <= 0.5, PMID: 27666373). To our knowledge, functional studies have not been reported for this variant. This variant has not been reported in individuals affected with hereditary cancer in the literature. This variant has not been identified in the general population by the Genome Aggregation Database (gnomAD). The available evidence is insufficient to determine the role of this variant in disease conclusively. Therefore, this variant is classified as a Variant of Uncertain Significance.